The following is an entry in ClinVar:

NM_001371928.1(AHDC1):c.2651G>T (p.Gly884Val)

Gene: AHDC1 (AT-hook DNA binding motif containing 1; minus strand). Cytogenetic location: 1p36.11.
Variant type: single nucleotide variant.
Coding change: c.2651G>T on transcript NM_001371928.1 (MANE Select); coding-DNA position 2651, G replaced by T.
Protein change: p.Gly884Val; replaces glycine 884 with valine.
Molecular consequence: missense variant.
Genome position (GRCh38, 1-based): chr1:27,549,465, C>A on the plus strand (G>T on the coding strand, the complement: AHDC1 is on the minus strand). VCF-style: chr1-27549465-C-A. GRCh37 (hg19) VCF-style: chr1-27875976-C-A.
Other names: c.2651G>T, p.Gly884Val (NM_001029882.3); short protein forms G884V.
Identifiers: ClinVar variation 2786418 (VCV002786418.3), dbSNP rs2019395876, ClinGen allele CA339230086.

ClinVar aggregate classification (germline): Uncertain significance (1 of 4 stars; one submission).

Allele frequency attached by ClinVar (database versions not stated): gnomAD exomes below 0.00001; TOPMed below 0.00001.

Submission:

Labcorp Genetics (formerly Invitae), Labcorp
Classification: Uncertain significance. Last evaluated: 2023-01-20. Review status: criteria provided, single submitter. Criteria: Invitae Variant Classification Sherloc (09022015). Collection method: clinical testing. Allele origin: germline.
Comment: In summary, the available evidence is currently insufficient to determine the role of this variant in disease. Therefore, it has been classified as a Variant of Uncertain Significance. Algorithms developed to predict the effect of missense changes on protein structure and function are either unavailable or do not agree on the potential impact of this missense change (SIFT: "Deleterious"; PolyPhen-2: "Probably Damaging"; Align-GVGD: "Class C0"). This variant has not been reported in the literature in individuals affected with AHDC1-related conditions. This variant is not present in population databases (gnomAD no frequency). This sequence change replaces glycine, which is neutral and non-polar, with valine, which is neutral and non-polar, at codon 884 of the AHDC1 protein (p.Gly884Val).